The following is an entry in ClinVar:

ClinVar aggregate classification (germline): Uncertain significance (1 of 4 stars; one submission).

Conditions:
Inborn genetic diseases. Identifiers: MedGen C0950123, MeSH D030342.

Submission:

Ambry Genetics
Classification: Uncertain significance for Inborn genetic diseases. Last evaluated: 2025-03-03. Review status: criteria provided, single submitter. Criteria: Ambry Variant Classification Scheme 2023. Collection method: clinical testing. Allele origin: germline.
Comment: The p.K282M variant (also known as c.845A>T), located in coding exon 1 of the SAMD9L gene, results from an A to T substitution at nucleotide position 845. The lysine at codon 282 is replaced by methionine, an amino acid with similar properties. This amino acid position is conserved. In addition, this alteration is predicted to be tolerated by in silico analysis. Based on the available evidence, the clinical significance of this variant remains unclear.

NM_152703.5(SAMD9L):c.845A>T (p.Lys282Met)

Gene: SAMD9L (sterile alpha motif domain containing 9 like; minus strand). Cytogenetic location: 7q21.2.
Variant type: single nucleotide variant.
Coding change: c.845A>T on transcript NM_152703.5 (MANE Select); coding-DNA position 845, A replaced by T.
Protein change: p.Lys282Met; replaces lysine 282 with methionine.
Molecular consequence: missense variant.
Genome position (GRCh38, 1-based): chr7:93,135,127, T>A on the plus strand (A>T on the coding strand, the complement: SAMD9L is on the minus strand). VCF-style: chr7-93135127-T-A. GRCh37 (hg19) VCF-style: chr7-92764440-T-A.
Other names: c.845A>T, p.Lys282Met (NM_001303496.3, NM_001303497.3, NM_001303498.3 and 5 more transcripts); short protein forms K282M.
Identifiers: ClinVar variation 3792485 (VCV003792485.1).